The following is an entry in ClinVar:

ClinVar aggregate classification (germline): Uncertain significance (1 of 4 stars; one submission).

Conditions:
ALG6-congenital disorder of glycosylation 1C (CDG1C). Also called: CARBOHYDRATE-DEFICIENT GLYCOPROTEIN SYNDROME, TYPE I, WITH DEFICIENT GLYCOSYLATION OF DOLICHOL-LINKED OLIGOSACCHARIDE; CARBOHYDRATE-DEFICIENT GLYCOPROTEIN SYNDROME, TYPE V; Congenital disorder of glycosylation type 1C; Congenital disorder of glycosylation, type Ic; CDG Ic. Identifiers: Orphanet 79320, MedGen C2930997, MONDO:0011291, OMIM 603147.

Allele frequency attached by ClinVar (database versions not stated): gnomAD 0.00001; gnomAD exomes 0.00001; TOPMed 0.00001; ExAC 0.00002.

Submission:

Labcorp Genetics (formerly Invitae), Labcorp
Classification: Uncertain significance for ALG6-congenital disorder of glycosylation 1C. Last evaluated: 2022-01-13. Review status: criteria provided, single submitter. Criteria: Invitae Variant Classification Sherloc (09022015). Collection method: clinical testing. Allele origin: germline.
Comment: This sequence change replaces arginine, which is basic and polar, with cysteine, which is neutral and slightly polar, at codon 294 of the ALG6 protein (p.Arg294Cys). This variant is present in population databases (rs748327731, gnomAD 0.007%). This variant has not been reported in the literature in individuals affected with ALG6-related conditions. Algorithms developed to predict the effect of missense changes on protein structure and function are either unavailable or do not agree on the potential impact of this missense change (SIFT: "Deleterious"; PolyPhen-2: "Benign"; Align-GVGD: "Class C15"). In summary, the available evidence is currently insufficient to determine the role of this variant in disease. Therefore, it has been classified as a Variant of Uncertain Significance.

NM_013339.4(ALG6):c.880C>T (p.Arg294Cys)

Gene: ALG6 (ALG6 alpha-1,3-glucosyltransferase; plus strand). Cytogenetic location: 1p31.3.
Variant type: single nucleotide variant.
Coding change: c.880C>T on transcript NM_013339.4 (MANE Select); coding-DNA position 880, C replaced by T.
Protein change: p.Arg294Cys; replaces arginine 294 with cysteine.
Molecular consequence: missense variant.
Genome position (GRCh38, 1-based): chr1:63,414,124, C>T. VCF-style: chr1-63414124-C-T. GRCh37 (hg19) VCF-style: chr1-63879795-C-T.
Other names: short protein forms R294C.
Identifiers: ClinVar variation 2050571 (VCV002050571.1), dbSNP rs748327731, ClinGen allele CA888281.